The following is an entry in ClinVar:

ClinVar aggregate classification (germline): Uncertain significance (1 of 4 stars; one submission).

Submission:

Labcorp Genetics (formerly Invitae), Labcorp
Classification: Uncertain significance. Last evaluated: 2024-11-15. Review status: criteria provided, single submitter. Criteria: Invitae Variant Classification Sherloc (09022015). Collection method: clinical testing. Allele origin: germline.
Comment: This sequence change replaces alanine, which is neutral and non-polar, with aspartic acid, which is acidic and polar, at codon 775 of the MYLK3 protein (p.Ala775Asp). This variant is not present in population databases (gnomAD no frequency). This variant has not been reported in the literature in individuals affected with MYLK3-related conditions. An algorithm developed to predict the effect of missense changes on protein structure and function (PolyPhen-2) suggests that this variant is likely to be tolerated. In summary, the available evidence is currently insufficient to determine the role of this variant in disease. Therefore, it has been classified as a Variant of Uncertain Significance.

NM_182493.3(MYLK3):c.2324C>A (p.Ala775Asp)

Gene: MYLK3 (myosin light chain kinase 3; minus strand). Cytogenetic location: 16q11.2.
Variant type: single nucleotide variant.
Coding change: c.2324C>A on transcript NM_182493.3 (MANE Select); coding-DNA position 2324, C replaced by A.
Protein change: p.Ala775Asp; replaces alanine 775 with aspartic acid.
Molecular consequence: missense variant.
Genome position (GRCh38, 1-based): chr16:46,709,615, G>T on the plus strand (C>A on the coding strand, the complement: MYLK3 is on the minus strand). VCF-style: chr16-46709615-G-T. GRCh37 (hg19) VCF-style: chr16-46743527-G-T.
Other names: c.1301C>A, p.Ala434Asp (NM_001308301.1); short protein forms A434D, A775D.
Identifiers: ClinVar variation 3725304 (VCV003725304.2).